The following is an entry in ClinVar:

ClinVar aggregate classification (germline): Uncertain significance. Review status: criteria provided, multiple submitters, no conflicts (2 of 4 stars). 2 submissions from 2 submitters: Uncertain significance (2). Last evaluated 2026-01-12.

Conditions:
Inborn genetic diseases. Identifiers: MedGen C0950123, MeSH D030342.

gnomAD v4.1: 5 of 1,613,846 alleles (0.00031%); highest among the groups gnomAD compares: East Asian, 0.0022%; no homozygotes.

Submissions (2):

Labcorp Genetics (formerly Invitae), Labcorp
Classification: Uncertain significance. Last evaluated: 2026-01-12. Review status: criteria provided, single submitter. Criteria: Invitae Variant Classification Sherloc (09022015). Collection method: clinical testing. Allele origin: germline.
Comment: This sequence change replaces isoleucine, which is neutral and non-polar, with threonine, which is neutral and polar, at codon 135 of the C6 protein (p.Ile135Thr). This variant is present in population databases (rs574256356, gnomAD 0.01%). This variant has not been reported in the literature in individuals affected with C6-related conditions. ClinVar contains an entry for this variant (Variation ID: 3717728). An algorithm developed to predict the effect of missense changes on protein structure and function outputs the following: PolyPhen-2: "Probably Damaging". The threonine amino acid residue is found in multiple mammalian species, which suggests that this missense change does not adversely affect protein function. In summary, the available evidence is currently insufficient to determine the role of this variant in disease. Therefore, it has been classified as a Variant of Uncertain Significance.

Ambry Genetics
Classification: Uncertain significance for Inborn genetic diseases. Last evaluated: 2025-08-06. Review status: criteria provided, single submitter. Criteria: Ambry Variant Classification Scheme 2023. Collection method: clinical testing. Allele origin: germline.

NM_000065.5(C6):c.404T>C (p.Ile135Thr)

Gene: C6 (complement C6; minus strand). Cytogenetic location: 5p13.1.
Variant type: single nucleotide variant.
Coding change: c.404T>C on transcript NM_000065.5 (MANE Select); coding-DNA position 404, T replaced by C.
Protein change: p.Ile135Thr; replaces isoleucine 135 with threonine.
Molecular consequence: missense variant.
Genome position (GRCh38, 1-based): chr5:41,199,809, A>G on the plus strand (T>C on the coding strand, the complement: C6 is on the minus strand). VCF-style: chr5-41199809-A-G. GRCh37 (hg19) VCF-style: chr5-41199911-A-G.
Other names: c.404T>C, p.Ile135Thr (NM_001115131.4); short protein forms I135T.
Identifiers: ClinVar variation 3717728 (VCV003717728.3).